The following is an entry in ClinVar:

NM_000091.5(COL4A3):c.171del (p.Gly58fs)

Genes: MFF-DT (MFF divergent transcript; minus strand), COL4A3 (collagen type IV alpha 3 chain; plus strand). Cytogenetic location: 2q36.3.
Variant type: Deletion.
Coding change: c.171del on transcript NM_000091.5 (MANE Select); coding-DNA position 171, one base deleted (C; older notation c.171delC).
Protein change: p.Gly58fs; shifts the reading frame from glycine 58.
Molecular consequence: frameshift variant.
Genome position (GRCh38, 1-based): chr2:227,240,169, C deleted; the last of 6 consecutive C bases (chr2:227,240,164-227,240,169); deleting any one gives the same sequence. VCF-style (leftmost placement, unchanged base first): chr2-227240163-AC-A. GRCh37 (hg19) VCF-style: chr2-228104879-AC-A.
Other names: c.171delC, p.Gly58Valfs (NM_000091.4); short protein forms G58fs.
Identifiers: ClinVar variation 4817204 (VCV004817204.1).
Genomic context (GRCh38, chr2:227,240,163, plus strand): 5'-GCTGCTCTGTGTGTTTCTCACCTCGTTTTGGTTTTAACAGGGGGAGAAGGGCTTTCCTGG[AC>A]CCCCCGGTTCTCCTGGCCAGAAAGGATTCACAGGTCCTGAAGGCTTGCCTGGACCGCAGG-3'

ClinVar aggregate classification (germline): Likely pathogenic (1 of 4 stars; one submission).

Conditions:
Alport syndrome. Also called: Hemorrhagic familial nephritis; Hemorrhagic hereditary nephritis; Congenital hereditary hematuria. Identifiers: Orphanet 63, MedGen C1567741, MONDO:0018965.

Submission:

Natera, Inc.
Classification: Likely pathogenic for Alport syndrome. Last evaluated: 2024-10-22. Review status: criteria provided, single submitter. Criteria: Natera Variant Classification Schema (03/2026). Collection method: clinical testing. Allele origin: germline.
Comment: The c.171del variant in COL4A3 is a frameshift variant predicted to shift the reading frame beginning at codon 58 and leads to a stop codon 35 codons downstream. This variant is expected to result in nonsense mediated decay, truncation, or a dysfunctional protein product. This variant is rare in the general population with a frequency below the threshold expected for the associated phenotype(s). Given the available evidence, this variant is classified as Likely Pathogenic.